The following is an entry in ClinVar:

NM_001267550.2(TTN):c.74452dup (p.Met24818fs)

Genes: TTN-AS1 (TTN antisense RNA 1; plus strand), TTN (titin; minus strand). Cytogenetic location: 2q31.2.
Variant type: Duplication.
Coding change: c.74452dup on transcript NM_001267550.2 (MANE Select); coding-DNA position 74452, one base duplicated (A; older notation c.74452dupA).
Protein change: p.Met24818fs; shifts the reading frame from methionine 24818.
Molecular consequence: frameshift variant.
Genome position (GRCh38, 1-based): chr2:178,571,680, T duplicated on the plus strand (A on the coding strand, the reverse complement: TTN is on the minus strand); the first of 4 consecutive T bases (chr2:178,571,680-178,571,683); duplicating any one gives the same sequence. VCF-style (leftmost placement, unchanged base first): chr2-178571679-A-AT. GRCh37 (hg19) VCF-style: chr2-179436406-A-AT.
Other names: c.69529dup, p.Met23177fs (NM_001256850.1); c.47257dup, p.Met15753fs (NM_003319.4); c.66748dup, p.Met22250fs (NM_133378.4); c.47632dup, p.Met15878fs (NM_133432.3); c.47833dup, p.Met15945fs (NM_133437.4); short protein forms M15878fs, M15945fs, M15753fs, M23177fs, M22250fs, M24818fs.
Identifiers: ClinVar variation 1476422 (VCV001476422.6), dbSNP rs2154169509, ClinGen allele CA2573134135.

ClinVar aggregate classification (germline): Likely pathogenic (1 of 4 stars; one submission).

Conditions:
Dilated cardiomyopathy 1G (CMD1G). Identifiers: Orphanet 154, MedGen C1858763, MONDO:0011400, OMIM 604145.
Autosomal recessive limb-girdle muscular dystrophy type 2J (LGMDR10). Also called: MUSCULAR DYSTROPHY, LIMB-GIRDLE, AUTOSOMAL RECESSIVE 10; Limb-girdle muscular dystrophy, type 2J. Identifiers: Orphanet 140922, MedGen C1837342, MONDO:0012127, OMIM 608807.

Submission:

Labcorp Genetics (formerly Invitae), Labcorp
Classification: Likely pathogenic for Dilated cardiomyopathy 1G; Autosomal recessive limb-girdle muscular dystrophy type 2J. Last evaluated: 2024-06-24. Review status: criteria provided, single submitter. Criteria: Invitae Variant Classification Sherloc (09022015). Collection method: clinical testing. Allele origin: germline.
Comment: This sequence change creates a premature translational stop signal (p.Met24818Asnfs*3) in the TTN gene. While this is not anticipated to result in nonsense mediated decay, it is expected to create a truncated TTN protein. This variant is not present in population databases (gnomAD no frequency). This variant has not been reported in the literature in individuals affected with TTN-related conditions. ClinVar contains an entry for this variant (Variation ID: 1476422). This variant is located in the A band of TTN (PMID: 25589632). Truncating variants in this region are significantly overrepresented in patients affected with dilated cardiomyopathy (PMID: 25589632). Truncating variants in this region have also been reported in individuals affected with autosomal recessive centronuclear myopathy (PMID: 23975875). In summary, the currently available evidence indicates that the variant is pathogenic, but additional data are needed to prove that conclusively. Therefore, this variant has been classified as Likely Pathogenic.

Literature cited by the submitters: PubMed 25589632; PubMed 23975875.